The following is an entry in ClinVar:

ClinVar aggregate classification (germline): Uncertain significance (1 of 4 stars; one submission).

Conditions:
Hereditary cancer-predisposing syndrome. Also called: Neoplastic Syndromes, Hereditary; Hereditary Cancer Syndrome; Tumor predisposition; Hereditary neoplastic syndrome. Identifiers: Orphanet 140162, MedGen C0027672, MeSH D009386, MONDO:0015356.

Submission:

Ambry Genetics
Classification: Uncertain significance for Hereditary cancer-predisposing syndrome. Last evaluated: 2025-11-20. Review status: criteria provided, single submitter. Criteria: Ambry Variant Classification Scheme 2023. Collection method: clinical testing. Allele origin: germline.
Comment: The p.L128I variant (also known as c.382C>A), located in coding exon 3 of the XRCC2 gene, results from a C to A substitution at nucleotide position 382. The leucine at codon 128 is replaced by isoleucine, an amino acid with highly similar properties. This amino acid position is conserved. In addition, this alteration is predicted to be tolerated by in silico analysis. Since supporting evidence is limited at this time, the clinical significance of this alteration remains unclear.

NM_005431.2(XRCC2):c.382C>A (p.Leu128Ile)

Gene: XRCC2 (X-ray repair cross complementing 2; minus strand). Cytogenetic location: 7q36.1.
Variant type: single nucleotide variant.
Coding change: c.382C>A on transcript NM_005431.2 (MANE Select); coding-DNA position 382, C replaced by A.
Protein change: p.Leu128Ile; replaces leucine 128 with isoleucine.
Molecular consequence: missense variant.
Genome position (GRCh38, 1-based): chr7:152,649,103, G>T on the plus strand (C>A on the coding strand, the complement: XRCC2 is on the minus strand). VCF-style: chr7-152649103-G-T. GRCh37 (hg19) VCF-style: chr7-152346188-G-T.
Other names: short protein forms L128I.
Identifiers: ClinVar variation 2447884 (VCV002447884.3), dbSNP rs2116987944, ClinGen allele CA370198819.